The following is an entry in ClinVar:

ClinVar aggregate classification (germline): Likely pathogenic (1 of 4 stars; one submission).

Conditions:
Polycystic kidney disease 4 (PKD4). Also called: POLYCYSTIC KIDNEY AND HEPATIC DISEASE 1; POLYCYSTIC KIDNEY DISEASE, INFANTILE, TYPE I; POLYCYSTIC KIDNEY DISEASE 4 WITH OR WITHOUT POLYCYSTIC LIVER DISEASE; PKD3; Autosomal Recessive Polycystic Kidney Disease – PKHD1. Identifiers: MedGen C4540575, MONDO:0033004, OMIM 263200.

Submission:

Myriad Genetics, Inc.
Classification: Likely pathogenic for Polycystic kidney disease 4. Last evaluated: 2022-02-12. Review status: criteria provided, single submitter. Criteria: Myriad Women's Health Autosomal Recessive and X-Linked Classification Criteria (2021). Collection method: clinical testing. Allele origin: unknown.
Comment: NM_138694.3(PKHD1):c.2503_2504delAC(T835Cfs*32) is expected to be pathogenic in the context of autosomal recessive polycystic kidney disease, PKHD1-related. This variant is predicted to lead to an abnormal or absent protein product due to the creation of a premature termination codon in PKHD1, a gene where loss-of-function variants are known to be pathogenic. Please note: this variant was assessed in the context of healthy population screening.

NM_138694.4(PKHD1):c.2503_2504del (p.Thr835fs)

Gene: PKHD1 (PKHD1 ciliary IPT domain containing fibrocystin/polyductin; minus strand). Cytogenetic location: 6p12.2.
Variant type: Deletion.
Coding change: c.2503_2504del on transcript NM_138694.4 (MANE Select); coding-DNA positions 2503 to 2504, 2 bases deleted (AC; older notation c.2503_2504delAC).
Protein change: p.Thr835fs; shifts the reading frame from threonine 835.
Molecular consequence: frameshift variant.
Genome position (GRCh38, 1-based): chr6:52,046,092-52,046,093, GT deleted on the plus strand (AC on the coding strand, the reverse complement: PKHD1 is on the minus strand); deleting any 2 consecutive bases within chr6:52,046,092-52,046,094 gives the same sequence; the c. name uses the placement nearest the transcript's 3' end. VCF-style (leftmost placement, unchanged base first): chr6-52046091-AGT-A. GRCh37 (hg19) VCF-style: chr6-51910889-AGT-A.
Other names: c.2503_2504del, p.Thr835fs (NM_170724.3); short protein forms T835fs.
Identifiers: ClinVar variation 1724399 (VCV001724399.2), dbSNP rs2533122531, ClinGen allele CA2580075514.